The following is an entry in ClinVar:

NM_001042432.2(CLN3):c.84G>A (p.Leu28=)

Gene: CLN3 (CLN3 lysosomal/endosomal transmembrane protein, battenin; minus strand). Cytogenetic location: 16p12.1.
Variant type: single nucleotide variant.
Coding change: c.84G>A on transcript NM_001042432.2 (MANE Select); coding-DNA position 84, G replaced by A.
Protein change: p.Leu28=; no amino-acid change (leucine 28 retained).
Molecular consequence: synonymous variant. On other transcripts: intron variant (3).
Genome position (GRCh38, 1-based): chr16:28,491,523, C>T on the plus strand (G>A on the coding strand, the complement: CLN3 is on the minus strand). VCF-style: chr16-28491523-C-T. GRCh37 (hg19) VCF-style: chr16-28502844-C-T.
Other names: c.84G>A, p.Leu28= (NM_000086.2, NM_001286104.2); c.-38+191G>A (NM_001286109.2, NM_001286110.2); c.-96+191G>A (NM_001286105.2).
Identifiers: ClinVar variation 1019041 (VCV001019041.13), dbSNP rs1004740919, ClinGen allele CA279787832.

ClinVar aggregate classification (germline): Likely benign. Review status: criteria provided, multiple submitters, no conflicts (2 of 4 stars). 3 submissions from 3 submitters: Likely benign (3). Last evaluated 2026-05-11.

Conditions:
Neuronal ceroid lipofuscinosis. Also called: Neuronal Ceroid Lipofuscinoses. Identifiers: Orphanet 216, Orphanet 79263, MedGen C0027877, MONDO:0016295. Disease mechanism: loss of function.
CLN3-related disorder. Also called: CLN3-related condition. Identifiers: MedGen CN382248.
Inborn genetic diseases. Identifiers: MedGen C0950123, MeSH D030342.

Allele frequency attached by ClinVar (database versions not stated): gnomAD exomes below 0.00001; TOPMed 0.00002; gnomAD 0.00005.
gnomAD v4.1: 9 of 1,613,938 alleles (0.00056%); highest among the groups gnomAD compares: African/African-American, 0.012%; no homozygotes.

Submissions (3):

PreventionGenetics, part of Exact Sciences
Classification: Likely benign for CLN3-related condition. Last evaluated: 2026-05-11. Review status: criteria provided, single submitter. Criteria: ACMG Guidelines, 2015. Collection method: clinical testing. Allele origin: germline.
Comment: This variant is classified as likely benign based on ACMG/AMP sequence variant interpretation guidelines (Richards et al. 2015 PMID: 25741868, with internal and published modifications).

Labcorp Genetics (formerly Invitae), Labcorp
Classification: Likely benign for Neuronal ceroid lipofuscinosis. Last evaluated: 2025-01-27. Review status: criteria provided, single submitter. Criteria: Invitae Variant Classification Sherloc (09022015). Collection method: clinical testing. Allele origin: germline.

Ambry Genetics
Classification: Likely benign for Inborn genetic diseases. Last evaluated: 2018-04-20. Review status: criteria provided, single submitter. Criteria: Ambry Variant Classification Scheme 2023. Collection method: clinical testing. Allele origin: germline.